The following is an entry in ClinVar:

ClinVar aggregate classification (germline): Conflicting classifications of pathogenicity. Review status: criteria provided, conflicting classifications (1 of 4 stars). 11 submissions from 11 submitters: Uncertain significance (1); Benign (4); Likely benign (4). 2 of the submissions do not count toward it. Last evaluated 2026-07-01.

Conditions:
Cardiovascular phenotype. Identifiers: MedGen CN230736.
Ehlers-Danlos syndrome (EDS). Identifiers: Orphanet 98249, MedGen C0013720, MONDO:0020066.

Allele frequency attached by ClinVar (database versions not stated): 1000 Genomes Project 0.00040; 1000 Genomes Project 30x 0.00062; ExAC 0.00128; gnomAD 0.00315 and 0.00334; TOPMed 0.00317.
gnomAD v4.1: 5,638 of 1,515,534 alleles (0.37%); highest among the groups gnomAD compares: Non-Finnish European, 0.45%; 20 homozygotes.

Submissions (11):

CeGaT Center for Human Genetics Tuebingen
Classification: Likely benign. Last evaluated: 2026-07-01. Review status: criteria provided, single submitter. Criteria: CeGaT Center For Human Genetics Tuebingen Variant Classification Criteria Version 2. Collection method: clinical testing. Allele origin: germline. Affected: yes. Observed: 28 variant alleles.
Comment: ZNF469: BP4, BP7, BS2

Labcorp Genetics (formerly Invitae), Labcorp
Classification: Benign. Last evaluated: 2026-02-01. Review status: criteria provided, single submitter. Criteria: Invitae Variant Classification Sherloc (09022015). Collection method: clinical testing. Allele origin: germline.

Women's Health and Genetics/Laboratory Corporation of America, LabCorp
Classification: Benign. Last evaluated: 2025-01-13. Review status: criteria provided, single submitter. Criteria: LabCorp Variant Classification Summary - May 2015. Collection method: clinical testing. Allele origin: germline.

Blueprint Genetics
Classification: Likely benign. Last evaluated: 2024-11-05. Review status: criteria provided, single submitter. Criteria: ACMG Guidelines, 2015. Collection method: clinical testing. Allele origin: germline.

Mayo Clinic Laboratories, Mayo Clinic
Classification: Benign. Last evaluated: 2024-03-13. Review status: criteria provided, single submitter. Criteria: ACMG Guidelines, 2015. Collection method: clinical testing. Allele origin: germline. Observed: 31 variant alleles.
Comment: BS1, BS2, BP4

Genome Diagnostics Laboratory, The Hospital for Sick Children
Classification: Likely benign for Ehlers-Danlos syndrome. Last evaluated: 2022-01-25. Review status: criteria provided, single submitter. Criteria: ACMG Guidelines, 2015. Collection method: clinical testing. Allele origin: germline.

Ambry Genetics
Classification: Likely benign for Cardiovascular phenotype. Last evaluated: 2019-02-23. Review status: criteria provided, single submitter. Criteria: Ambry Variant Classification Scheme 2023. Collection method: clinical testing. Allele origin: germline.

GeneDx
Classification: Benign. Last evaluated: 2017-12-04. Review status: criteria provided, single submitter. Criteria: GeneDx Variant Classification (06012015). Collection method: clinical testing. Allele origin: germline. Affected: yes.
Comment: This variant is considered likely benign or benign based on one or more of the following criteria: it is a conservative change, it occurs at a poorly conserved position in the protein, it is predicted to be benign by multiple in silico algorithms, and/or has population frequency not consistent with disease.

Eurofins Ntd Llc (ga)
Classification: Uncertain significance. Last evaluated: 2016-12-08. Review status: criteria provided, single submitter. Criteria: EGL Classification Definitions 2015. Collection method: clinical testing. Allele origin: germline. Observed: 1 variant allele, 1 heterozygote.

Clinical Genetics DNA and cytogenetics Diagnostics Lab, Erasmus MC, Erasmus Medical Center
Classification: Likely benign. Review status: no assertion criteria provided. Collection method: clinical testing. Allele origin: germline. Affected: yes. Study: VKGL Data-share Consensus. Not counted in ClinVar's aggregate classification.

Genome Diagnostics Laboratory, Amsterdam University Medical Center
Classification: Likely benign. Review status: no assertion criteria provided. Collection method: clinical testing. Allele origin: germline. Affected: yes. Study: VKGL Data-share Consensus. Not counted in ClinVar's aggregate classification.

Literature cited by the submitters: PubMed 28622062 (cited by Ambry Genetics).

NM_001367624.2(ZNF469):c.2841G>A (p.Arg947=)

Gene: ZNF469 (zinc finger protein 469; plus strand). Cytogenetic location: 16q24.2.
Variant type: single nucleotide variant.
Coding change: c.2841G>A on transcript NM_001367624.2 (MANE Select); coding-DNA position 2841, G replaced by A.
Protein change: p.Arg947=; no amino-acid change (arginine 947 retained).
Molecular consequence: synonymous variant.
Genome position (GRCh38, 1-based): chr16:88,430,311, G>A. VCF-style: chr16-88430311-G-A. GRCh37 (hg19) VCF-style: chr16-88496719-G-A.
Other names: NM_001127464.1:c.2841G>A; NM_001127464.2:c.2841G>A; p.Arg947=.
Identifiers: ClinVar variation 383776 (VCV000383776.64), dbSNP rs150435442, ClinGen allele CA8224807.